The following is an entry in ClinVar:

ClinVar aggregate classification (germline): Benign/Likely benign. Review status: criteria provided, multiple submitters, no conflicts (2 of 4 stars). 3 submissions from 3 submitters: Benign (1); Likely benign (2). Last evaluated 2026-04-27.

Conditions:
Colorectal cancer, susceptibility to, 1. Also called: COLORECTAL ADENOMA AND CANCER, SUSCEPTIBILITY TO; COLORECTAL CANCER, SUSCEPTIBILITY TO, ON CHROMOSOME 9. Identifiers: MedGen C1837315, MONDO:0012132, OMIM 608812.

Allele frequency attached by ClinVar (database versions not stated): gnomAD exomes below 0.00001.
gnomAD v4.1: 1 of 1,614,216 alleles (0.000062%); highest among the groups gnomAD compares: Non-Finnish European, 0.000085%; no homozygotes.

Submissions (3):

Myriad Genetics, Inc.
Classification: Benign for Colorectal cancer, susceptibility to, 1. Last evaluated: 2026-04-27. Review status: criteria provided, single submitter. Criteria: Myriad Autosomal Dominant, Autosomal Recessive and X-Linked Classification Criteria (2023). Collection method: clinical testing. Allele origin: unknown.
Comment: This variant is considered benign. This variant is a silent/synonymous amino acid change and it is not expected to impact splicing.

Labcorp Genetics (formerly Invitae), Labcorp
Classification: Likely benign. Last evaluated: 2022-06-16. Review status: criteria provided, single submitter. Criteria: Invitae Variant Classification Sherloc (09022015). Collection method: clinical testing. Allele origin: germline.

Ambry Genetics
Classification: Likely benign. Last evaluated: 2020-04-10. Review status: criteria provided, single submitter. Criteria: Ambry Variant Classification Scheme 2023. Collection method: clinical testing. Allele origin: germline.

NM_024642.5(GALNT12):c.1140T>C (p.Ser380=)

Gene: GALNT12 (polypeptide N-acetylgalactosaminyltransferase 12; plus strand). Cytogenetic location: 9q22.33.
Variant type: single nucleotide variant.
Coding change: c.1140T>C on transcript NM_024642.5 (MANE Select); coding-DNA position 1140, T replaced by C.
Protein change: p.Ser380=; no amino-acid change (serine 380 retained).
Molecular consequence: synonymous variant.
Genome position (GRCh38, 1-based): chr9:98,837,076, T>C. VCF-style: chr9-98837076-T-C. GRCh37 (hg19) VCF-style: chr9-101599358-T-C.
Identifiers: ClinVar variation 1731268 (VCV001731268.8), dbSNP rs1836171612, ClinGen allele CA466425051.